The following is an entry in ClinVar:

NM_000370.3(TTPA):c.182del (p.Phe61fs)

Gene: TTPA (alpha tocopherol transfer protein; minus strand). Cytogenetic location: 8q12.3.
Variant type: Deletion.
Coding change: c.182del on transcript NM_000370.3 (MANE Select); coding-DNA position 182, one base deleted (T; older notation c.182delT).
Protein change: p.Phe61fs; shifts the reading frame from phenylalanine 61.
Molecular consequence: frameshift variant.
Genome position (GRCh38, 1-based): chr8:63,085,840, A deleted on the plus strand (T on the coding strand, the reverse complement: TTPA is on the minus strand); the first of 3 consecutive A bases (chr8:63,085,840-63,085,842); deleting any one gives the same sequence. VCF-style (leftmost placement, unchanged base first): chr8-63085839-GA-G. GRCh37 (hg19) VCF-style: chr8-63998398-GA-G.
Other names: short protein forms F61fs.
Identifiers: ClinVar variation 840876 (VCV000840876.10), dbSNP rs1805742175, ClinGen allele CA916082998.

ClinVar aggregate classification (germline): Pathogenic/Likely pathogenic. Review status: criteria provided, multiple submitters, no conflicts (2 of 4 stars). 3 submissions from 3 submitters: Pathogenic (1); Likely pathogenic (2). Last evaluated 2022-12-19.

Conditions:
Familial isolated deficiency of vitamin E (AVED). Also called: ATAXIA, FRIEDREICH-LIKE, WITH SELECTIVE VITAMIN E DEFICIENCY; Ataxia with isolated vitamin E deficiency. Identifiers: Orphanet 96, MedGen C1848533, MONDO:0010188, OMIM 277460.
TTPA-related disorder. Also called: TTPA-related condition.

Submissions (3):

Baylor Genetics
Classification: Likely pathogenic for Familial isolated deficiency of vitamin E. Last evaluated: 2022-12-19. Review status: criteria provided, single submitter. Criteria: ACMG Guidelines, 2015. Collection method: clinical testing. Allele origin: unknown.

Blueprint Genetics
Classification: Likely pathogenic for TTPA-related disorders. Last evaluated: 2021-06-02. Review status: criteria provided, single submitter. Criteria: ACMG Guidelines, 2015. Collection method: clinical testing. Allele origin: germline. Affected: yes. Observed: 1 variant allele.

Labcorp Genetics (formerly Invitae), Labcorp
Classification: Pathogenic. Last evaluated: 2019-05-10. Review status: criteria provided, single submitter. Criteria: Invitae Variant Classification Sherloc (09022015). Collection method: clinical testing. Allele origin: germline.
Comment: The frequency data for this variant in the population databases is considered unreliable, as metrics indicate insufficient coverage at this position in the ExAC database. This variant has not been reported in the literature in individuals with TTPA-related conditions. Loss-of-function variants in TTPA are known to be pathogenic (PMID: 9463307, 26068213). For these reasons, this variant has been classified as Pathogenic. This sequence change creates a premature translational stop signal (p.Phe61Serfs*10) in the TTPA gene. It is expected to result in an absent or disrupted protein product.

Literature cited by the submitters: PubMed 9463307 (cited by Labcorp Genetics (formerly Invitae), Labcorp); PubMed 26068213 (cited by Labcorp Genetics (formerly Invitae), Labcorp).